The following is an entry in ClinVar:

ClinVar aggregate classification (germline): Uncertain significance. Review status: criteria provided, single submitter (1 of 4 stars). 2 submissions from 2 submitters: Uncertain significance (1). 1 of the submissions does not count toward it. Last evaluated 2024-04-16.

Conditions:
Pulmonary arterial hypertension. Identifiers: Orphanet 182090, MedGen C2973725, MeSH D000081029, MONDO:0015924, HP:0002092.
Idiopathic and/or familial pulmonary arterial hypertension. Identifiers: Orphanet 422, MedGen C5679820, MONDO:0008347.
Hereditary cancer-predisposing syndrome. Also called: Neoplastic Syndromes, Hereditary; Tumor predisposition; Hereditary Cancer Syndrome; Hereditary neoplastic syndrome. Identifiers: Orphanet 140162, MedGen C0027672, MeSH D009386, MONDO:0015356.

Submissions (2):

Ambry Genetics
Classification: Uncertain significance for Hereditary cancer-predisposing syndrome. Last evaluated: 2024-04-16. Review status: criteria provided, single submitter. Criteria: Ambry Variant Classification Scheme 2023. Collection method: clinical testing. Allele origin: germline.
Comment: The p.T391K variant (also known as c.1172C>A), located in coding exon 9 of the BMPR1A gene, results from a C to A substitution at nucleotide position 1172. The threonine at codon 391 is replaced by lysine, an amino acid with similar properties. This amino acid position is highly conserved in available vertebrate species. In addition, this alteration is predicted to be deleterious by in silico analysis. Based on the available evidence, the clinical significance of this variant remains unclear.

Wendy Chung Laboratory, Boston Children's Hospital
No classification provided. Condition: Idiopathic and/or familial pulmonary arterial hypertension. Review status: no classification provided. Collection method: literature only. Allele origin: germline. Affected: yes. Not counted in ClinVar's aggregate classification.

Literature cited by the submitters: PubMed 31727138 (cited by Wendy Chung Laboratory, Boston Children's Hospital).

NM_004329.3(BMPR1A):c.1172C>A (p.Thr391Lys)

Gene: BMPR1A (bone morphogenetic protein receptor type 1A; plus strand). Cytogenetic location: 10q23.2.
Variant type: single nucleotide variant.
Coding change: c.1172C>A on transcript NM_004329.3 (MANE Select); coding-DNA position 1172, C replaced by A.
Protein change: p.Thr391Lys; replaces threonine 391 with lysine.
Molecular consequence: missense variant.
Genome position (GRCh38, 1-based): chr10:86,921,525, C>A. VCF-style: chr10-86921525-C-A. GRCh37 (hg19) VCF-style: chr10-88681282-C-A.
Other names: short protein forms T391K.
Identifiers: ClinVar variation 1339400 (VCV001339400.4), dbSNP rs1589292560, ClinGen allele CA377461820.